The following is an entry in ClinVar:

ClinVar aggregate classification (germline): Uncertain significance (1 of 4 stars; one submission).

Conditions:
Ehlers-Danlos syndrome, classic type, 1 (EDSCL1). Also called: Ehlers-Danlos syndrome, type 1; Ehlers-Danlos Syndrome, Classic Type, COL5A1-Related; EDS I; EHLERS-DANLOS SYNDROME, GRAVIS TYPE; EHLERS-DANLOS SYNDROME, SEVERE CLASSIC TYPE. Identifiers: MedGen C0268335, MONDO:0019567, OMIM 130000.

Allele frequency attached by ClinVar (database versions not stated): gnomAD 0.00001; TOPMed 0.00001; ESP Exome Variant Server 0.00008.
gnomAD v4.1: 4 of 1,613,842 alleles (0.00025%); highest among the groups gnomAD compares: African/African-American, 0.0027%; no homozygotes.

Submission:

Labcorp Genetics (formerly Invitae), Labcorp
Classification: Uncertain significance for Ehlers-Danlos syndrome, classic type, 1. Last evaluated: 2024-08-31. Review status: criteria provided, single submitter. Criteria: Invitae Variant Classification Sherloc (09022015). Collection method: clinical testing. Allele origin: germline.
Comment: This sequence change replaces arginine, which is basic and polar, with cysteine, which is neutral and slightly polar, at codon 1056 of the COL5A1 protein (p.Arg1056Cys). This variant is not present in population databases (gnomAD no frequency). This missense change has been observed in individual(s) with COL5A1-related conditions (internal data). ClinVar contains an entry for this variant (Variation ID: 853373). Invitae Evidence Modeling of protein sequence and biophysical properties (such as structural, functional, and spatial information, amino acid conservation, physicochemical variation, residue mobility, and thermodynamic stability) has been performed for this missense variant. However, the output from this modeling did not meet the statistical confidence thresholds required to predict the impact of this variant on COL5A1 protein function. In summary, the available evidence is currently insufficient to determine the role of this variant in disease. Therefore, it has been classified as a Variant of Uncertain Significance.

NM_000093.5(COL5A1):c.3166C>T (p.Arg1056Cys)

Gene: COL5A1 (collagen type V alpha 1 chain; plus strand). Cytogenetic location: 9q34.3.
Variant type: single nucleotide variant.
Coding change: c.3166C>T on transcript NM_000093.5 (MANE Select); coding-DNA position 3166, C replaced by T.
Protein change: p.Arg1056Cys; replaces arginine 1056 with cysteine.
Molecular consequence: missense variant.
Genome position (GRCh38, 1-based): chr9:134,805,026, C>T. VCF-style: chr9-134805026-C-T. GRCh37 (hg19) VCF-style: chr9-137696872-C-T.
Other names: c.3166C>T, p.Arg1056Cys (NM_001278074.1); short protein forms R1056C.
Identifiers: ClinVar variation 853373 (VCV000853373.11), dbSNP rs367905915, ClinGen allele CA201080539.